The following is an entry in ClinVar:

NM_138927.4(SON):c.4112C>T (p.Ser1371Leu)

Gene: SON (SON DNA and RNA binding protein; plus strand). Cytogenetic location: 21q22.11.
Variant type: single nucleotide variant.
Coding change: c.4112C>T on transcript NM_138927.4 (MANE Select); coding-DNA position 4112, C replaced by T.
Protein change: p.Ser1371Leu; replaces serine 1371 with leucine.
Molecular consequence: missense variant. On other transcripts: non-coding transcript variant (1), intron variant (1).
Genome position (GRCh38, 1-based): chr21:33,553,343, C>T. VCF-style: chr21-33553343-C-T. GRCh37 (hg19) VCF-style: chr21-34925649-C-T.
Other names: c.4112C>T, p.Ser1371Leu (NM_138926.1, NM_001291411.2, NM_001412133.1 and 2 more transcripts); c.245-3813C>T (NM_001291412.3); short protein forms S1371L.
Identifiers: ClinVar variation 2987551 (VCV002987551.3), dbSNP rs775848864, ClinGen allele CA10009453.
Genomic context (GRCh38, chr21:33,553,343, plus strand): 5'-CCCCAGAGTCTTCAGCTATGGCTGTCCTGGAGTCTTCGGCTGTGACCGTCCTGGAGTCTT[C>T]GACTGTGACTGTCCTGGAGTCTTCGACTGTAACTGTCCTGGAGCCTTCGGTTGTGACTGT-3'
Protein context (NP_620305.3, residues 1361-1381): ESSAVTVLES[Ser1371Leu]TVTVLESSTV

ClinVar aggregate classification (germline): Uncertain significance (1 of 4 stars; one submission).

Allele frequency attached by ClinVar (database versions not stated): gnomAD exomes 0.00001; ExAC 0.00002; TOPMed 0.00002; gnomAD 0.00003.

Submission:

Labcorp Genetics (formerly Invitae), Labcorp
Classification: Uncertain significance. Last evaluated: 2023-12-19. Review status: criteria provided, single submitter. Criteria: Invitae Variant Classification Sherloc (09022015). Collection method: clinical testing. Allele origin: germline.
Comment: This sequence change replaces serine, which is neutral and polar, with leucine, which is neutral and non-polar, at codon 1371 of the SON protein (p.Ser1371Leu). This variant is present in population databases (rs775848864, gnomAD 0.02%). This variant has not been reported in the literature in individuals affected with SON-related conditions. Algorithms developed to predict the effect of missense changes on protein structure and function output the following: SIFT: "Not Available"; PolyPhen-2: "Benign"; Align-GVGD: "Not Available". The leucine amino acid residue is found in multiple mammalian species, which suggests that this missense change does not adversely affect protein function. In summary, the available evidence is currently insufficient to determine the role of this variant in disease. Therefore, it has been classified as a Variant of Uncertain Significance.